The following is an entry in ClinVar:

NC_000002.11:g.(?_47256343)_(47256543_?)del

Gene: TTC7A (tetratricopeptide repeat domain 7A; plus strand). Cytogenetic location: 2p21.
Variant type: Deletion.
Identifiers: ClinVar variation 3247142 (VCV003247142.1).

ClinVar aggregate classification (germline): Pathogenic (1 of 4 stars; one submission).

Conditions:
Multiple gastrointestinal atresias. Also called: Multiple intestinal atresia; FAMILIAL INTESTINAL POLYATRESIA SYNDROME. Identifiers: Orphanet 2300, MedGen C0220744, MONDO:0009465.

Submission:

Labcorp Genetics (formerly Invitae), Labcorp
Classification: Pathogenic for Multiple gastrointestinal atresias. Last evaluated: 2023-03-14. Review status: criteria provided, single submitter. Criteria: Invitae Variant Classification Sherloc (09022015). Collection method: clinical testing. Allele origin: unknown.
Comment: A similar copy number variant has been observed in individual(s) with TTC71-related conditions (PMID: 31342292). For these reasons, this variant has been classified as Pathogenic. This variant is a gross deletion of the genomic region encompassing exon(s) 15 of the TTC7A gene. This deletion is out-of-frame, and is expected to create a premature termination codon and result in an absent or disrupted protein product. Loss-of-function variants in TTC7A are known to be pathogenic (PMID: 23830146, 24292712).

Literature cited by the submitters: PubMed 31342292; PubMed 23830146; PubMed 24292712.